The following is an entry in ClinVar:

NM_152424.4(AMER1):c.742C>A (p.Pro248Thr)

Gene: AMER1 (APC membrane recruitment protein 1; minus strand). Cytogenetic location: Xq11.2.
Variant type: single nucleotide variant.
Coding change: c.742C>A on transcript NM_152424.4 (MANE Select); coding-DNA position 742, C replaced by A.
Protein change: p.Pro248Thr; replaces proline 248 with threonine.
Molecular consequence: missense variant.
Genome position (GRCh38, 1-based): chrX:64,192,545, G>T on the plus strand (C>A on the coding strand, the complement: AMER1 is on the minus strand). VCF-style: chrX-64192545-G-T. GRCh37 (hg19) VCF-style: chrX-63412425-G-T.
Other names: short protein forms P248T.
Identifiers: ClinVar variation 792933 (VCV000792933.27), dbSNP rs149688443, ClinGen allele CA10432433.
Genomic context (GRCh38, chrX:64,192,545, plus strand): 5'-CTGAGGCACAGGCCTCCATGGGTTTTTCTGGATCTTTACAGGCCATTTTCTCAGTAGCTG[G>T]TGGAGAAGGTTCTGGTGTTGGAGAAACTTTTGGCCCAGGGGCATCTTGGGGGTTAGCATT-3'
Protein context (NP_689637.3, residues 238-258): KVSPTPEPSP[Pro248Thr]ATEKMACKDP

ClinVar aggregate classification (germline): Benign/Likely benign. Review status: criteria provided, multiple submitters, no conflicts (2 of 4 stars). 5 submissions from 5 submitters: Benign (1); Likely benign (3). 1 of the submissions does not count toward it. Last evaluated 2025-11-18.

Conditions:
Osteopathia striata with cranial sclerosis (OSCS). Also called: HYPEROSTOSIS GENERALISATA WITH STRIATIONS. Identifiers: Orphanet 2780, MedGen C0432268, MONDO:0010310, OMIM 300373.
Inborn genetic diseases. Identifiers: MedGen C0950123, MeSH D030342.
AMER1-related disorder. Also called: AMER1-related condition.

Allele frequency attached by ClinVar (database versions not stated): ExAC 0.00010; gnomAD exomes 0.00012 and 0.00020; gnomAD 0.00017; TOPMed 0.00018; ESP Exome Variant Server 0.00019; 1000 Genomes Project 30x 0.00021; 1000 Genomes Project 0.00026.
gnomAD v4.1: 236 of 1,203,731 alleles (0.02%); highest among the groups gnomAD compares: Non-Finnish European, 0.025%; 1 homozygote.

Submissions (5):

Labcorp Genetics (formerly Invitae), Labcorp
Classification: Benign. Last evaluated: 2025-11-18. Review status: criteria provided, single submitter. Criteria: Invitae Variant Classification Sherloc (09022015). Collection method: clinical testing. Allele origin: germline.

CeGaT Center for Human Genetics Tuebingen
Classification: Likely benign. Last evaluated: 2024-11-01. Review status: criteria provided, single submitter. Criteria: CeGaT Center For Human Genetics Tuebingen Variant Classification Criteria Version 2. Collection method: clinical testing. Allele origin: germline. Affected: yes. Observed: 1 variant allele.
Comment: AMER1: BP4, BS2

Ambry Genetics
Classification: Likely benign for Inborn genetic diseases. Last evaluated: 2023-03-21. Review status: criteria provided, single submitter. Criteria: Ambry Variant Classification Scheme 2023. Collection method: clinical testing. Allele origin: germline.

Fulgent Genetics
Classification: Likely benign for Osteopathia striata with cranial sclerosis. Last evaluated: 2021-09-09. Review status: criteria provided, single submitter. Criteria: ACMG Guidelines, 2015. Collection method: clinical testing. Allele origin: unknown.

PreventionGenetics, part of Exact Sciences
Classification: Likely benign for AMER1-related condition. Last evaluated: 2024-07-10. Review status: no assertion criteria provided. Collection method: clinical testing. Allele origin: germline. Not counted in ClinVar's aggregate classification.
Comment: This variant is classified as likely benign based on ACMG/AMP sequence variant interpretation guidelines (Richards et al. 2015 PMID: 25741868, with internal and published modifications).